The following is an entry in ClinVar:

ClinVar aggregate classification (germline): Uncertain significance (1 of 4 stars; one submission).

Submission:

Ambry Genetics
Classification: Uncertain significance. Last evaluated: 2022-01-16. Review status: criteria provided, single submitter. Criteria: Ambry Variant Classification Scheme 2023. Collection method: clinical testing. Allele origin: germline.
Comment: The p.F1967C variant (also known as c.5900T>G), located in coding exon 43 of the PRKDC gene, results from a T to G substitution at nucleotide position 5900. The phenylalanine at codon 1967 is replaced by cysteine, an amino acid with highly dissimilar properties. This amino acid position is conserved. In addition, the in silico prediction for this alteration is inconclusive. Since supporting evidence is limited at this time, the clinical significance of this alteration remains unclear.

NM_006904.7(PRKDC):c.5900T>G (p.Phe1967Cys)

Gene: PRKDC (protein kinase, DNA-activated, catalytic subunit; minus strand). Cytogenetic location: 8q11.21.
Variant type: single nucleotide variant.
Coding change: c.5900T>G on transcript NM_006904.7 (MANE Select); coding-DNA position 5900, T replaced by G.
Protein change: p.Phe1967Cys; replaces phenylalanine 1967 with cysteine.
Molecular consequence: missense variant.
Genome position (GRCh38, 1-based): chr8:47,862,392, A>C on the plus strand (T>G on the coding strand, the complement: PRKDC is on the minus strand). VCF-style: chr8-47862392-A-C. GRCh37 (hg19) VCF-style: chr8-48774953-A-C.
Other names: c.5900T>G, p.Phe1967Cys (NM_001081640.2); short protein forms F1967C.
Identifiers: ClinVar variation 1750410 (VCV001750410.2), dbSNP rs2551870671, ClinGen allele CA371162174.
Genomic context (GRCh38, chr8:47,862,392, plus strand): 5'-CTCCTACAATAACAATAGTGCACACCGTAGGAGTGGCCTACCTTTTCTGGTTTTTCACTA[A>C]ACAGAAAACCTTGGTAAAATTTTAACTCATTGAAGACACAGCAGATGACAGATATGGCGC-3'
Protein context (NP_008835.5, residues 1957-1977): NELKFYQGFL[Phe1967Cys]SEKPEKNLLI